The following is an entry in ClinVar:

ClinVar aggregate classification (germline): Likely benign. Review status: criteria provided, multiple submitters, no conflicts (2 of 4 stars). 2 submissions from 2 submitters: Likely benign (2). Last evaluated 2018-06-14.

Allele frequency attached by ClinVar (database versions not stated): gnomAD 0.01056 and 0.01264; gnomAD exomes 0.01265; TOPMed 0.01484; 1000 Genomes Project 30x 0.02811; 1000 Genomes Project 0.03015.

Submissions (2):

GeneDx
Classification: Likely benign. Last evaluated: 2018-06-14. Review status: criteria provided, single submitter. Criteria: GeneDx Variant Classification (06012015). Collection method: clinical testing. Allele origin: germline. Affected: yes.
Comment: This variant is considered likely benign or benign based on one or more of the following criteria: it is a conservative change, it occurs at a poorly conserved position in the protein, it is predicted to be benign by multiple in silico algorithms, and/or has population frequency not consistent with disease.

Breakthrough Genomics
Classification: Likely benign. Review status: criteria provided, single submitter. Criteria: ACMG Guidelines, 2015. Collection method: not provided. Allele origin: germline. Inheritance: Autosomal recessive inheritance. Affected: yes.

NM_000257.4(MYH7):c.2424-58G>A

Genes: MYH7 (myosin heavy chain 7; minus strand), LOC126861898 (BRD4-independent group 4 enhancer GRCh37_chr14:23893609-23894808; plus strand). Cytogenetic location: 14q11.2.
Variant type: single nucleotide variant.
Coding change: c.2424-58G>A on transcript NM_000257.4 (MANE Select); 58 bases into the intron before coding-DNA position 2424, G replaced by A.
Molecular consequence: intron variant.
Genome position (GRCh38, 1-based): chr14:23,425,082, C>T on the plus strand (G>A on the coding strand, the complement: MYH7 is on the minus strand). VCF-style: chr14-23425082-C-T. GRCh37 (hg19) VCF-style: chr14-23894291-C-T.
Identifiers: ClinVar variation 675282 (VCV000675282.2), dbSNP rs45571436, ClinGen allele CA257819591.
Genomic context (GRCh38, chr14:23,425,082, plus strand): 5'-TCTCTGCAGGGGCCCATTGAAAGGAGTGCTGAGCCTCCTGCCTCCTTCCTACCTGAGGTC[C>T]TGAAACCTTGGGAATATCCCATTTCCTTCATCCCTCCCACCCTTCCTGAGGCCTCTGACC-3'